The following is an entry in ClinVar:

NM_001267550.2(TTN):c.93724C>T (p.Arg31242Cys)

Genes: TTN (titin; minus strand), TTN-AS1 (TTN antisense RNA 1; plus strand). Cytogenetic location: 2q31.2.
Variant type: single nucleotide variant.
Coding change: c.93724C>T on transcript NM_001267550.2 (MANE Select); coding-DNA position 93724, C replaced by T.
Protein change: p.Arg31242Cys; replaces arginine 31242 with cysteine.
Molecular consequence: missense variant.
Genome position (GRCh38, 1-based): chr2:178,547,902, G>A on the plus strand (C>T on the coding strand, the complement: TTN is on the minus strand). VCF-style: chr2-178547902-G-A. GRCh37 (hg19) VCF-style: chr2-179412629-G-A.
Other names: c.93724C>T (LRG_391t1); c.88801C>T, p.Arg29601Cys (NM_001256850.1); c.66529C>T, p.Arg22177Cys (NM_003319.4); c.86020C>T, p.Arg28674Cys (NM_133378.4); c.66904C>T, p.Arg22302Cys (NM_133432.3); c.67105C>T, p.Arg22369Cys (NM_133437.4); short protein forms R31242C, R22302C, R28674C, R29601C, R22177C, R22369C.
Identifiers: ClinVar variation 404810 (VCV000404810.14), dbSNP rs563887822, ClinGen allele CA1987257.

ClinVar aggregate classification (germline): Conflicting classifications of pathogenicity. Review status: criteria provided, conflicting classifications (1 of 4 stars). 7 submissions from 7 submitters: Uncertain significance (6); Likely benign (1). Last evaluated 2026-09-01.

Conditions:
Cardiovascular phenotype. Identifiers: MedGen CN230736.
TTN-related disorder. Also called: TTN-related condition; TTN-related disease; TTN-related disorders.
Autosomal recessive limb-girdle muscular dystrophy type 2J (LGMDR10). Also called: Limb-girdle muscular dystrophy, type 2J; MUSCULAR DYSTROPHY, LIMB-GIRDLE, AUTOSOMAL RECESSIVE 10. Identifiers: Orphanet 140922, MedGen C1837342, MONDO:0012127, OMIM 608807.
Dilated cardiomyopathy 1G (CMD1G). Identifiers: Orphanet 154, MedGen C1858763, MONDO:0011400, OMIM 604145.

Allele frequency attached by ClinVar (database versions not stated): gnomAD exomes 0.00003 and 0.00004; gnomAD 0.00004 and 0.00005; ExAC 0.00005; TOPMed 0.00005; 1000 Genomes Project 30x 0.00016; 1000 Genomes Project 0.00020.
gnomAD v4.1: 69 of 1,613,810 alleles (0.0043%); highest among the groups gnomAD compares: Non-Finnish European, 0.005%; no homozygotes.

Submissions (7):

CeGaT Center for Human Genetics Tuebingen
Classification: Uncertain significance. Last evaluated: 2026-09-01. Review status: criteria provided, single submitter. Criteria: CeGaT Center For Human Genetics Tuebingen Variant Classification Criteria Version 2. Collection method: clinical testing. Allele origin: germline. Affected: yes. Observed: 1 variant allele.
Comment: TTN: PM2, PP3

PreventionGenetics, part of Exact Sciences
Classification: Uncertain significance for TTN-related condition. Last evaluated: 2026-05-10. Review status: criteria provided, single submitter. Criteria: ACMG Guidelines, 2015. Collection method: clinical testing. Allele origin: germline.
Comment: The TTN c.93724C>T variant is predicted to result in the amino acid substitution p.Arg31242Cys. This variant has been reported in one individual with left ventricular noncompaction (Table S2, Mazzarotto et al. 2021. PubMed ID: 33500567). This variant is reported in 0.0055% of alleles in individuals of European (Non-Finnish) descent in gnomAD. At this time, the clinical significance of this variant is uncertain due to the absence of conclusive functional and genetic evidence.

GeneDx
Classification: Likely benign. Last evaluated: 2020-12-31. Review status: criteria provided, single submitter. Criteria: GeneDx Variant Classification Process June 2021. Collection method: clinical testing. Allele origin: germline. Affected: yes.
Comment: Has not been previously published as pathogenic or benign to our knowledge

Ambry Genetics
Classification: Uncertain significance for Cardiovascular phenotype. Last evaluated: 2019-05-29. Review status: criteria provided, single submitter. Criteria: Ambry Variant Classification Scheme 2023. Collection method: clinical testing. Allele origin: germline.
Comment: The p.R22177C variant (also known as c.66529C>T), located in coding exon 166 of the TTN gene, results from a C to T substitution at nucleotide position 66529. The arginine at codon 22177 is replaced by cysteine, an amino acid with highly dissimilar properties. This amino acid position is highly conserved in available vertebrate species. In addition, the in silico prediction for this alteration is inconclusive. Since supporting evidence is limited at this time, the clinical significance of this alteration remains unclear.

Revvity Omics, Revvity
Classification: Uncertain significance. Last evaluated: 2019-03-14. Review status: criteria provided, single submitter. Criteria: ACMG Guidelines, 2015. Collection method: clinical testing. Allele origin: germline.

Athena Diagnostics
Classification: Uncertain significance. Last evaluated: 2017-09-12. Review status: criteria provided, single submitter. Criteria: Athena Diagnostics Criteria. Collection method: clinical testing. Allele origin: germline.

Labcorp Genetics (formerly Invitae), Labcorp
Classification: Uncertain significance for Dilated cardiomyopathy 1G; Autosomal recessive limb-girdle muscular dystrophy type 2J. Last evaluated: 2017-03-02. Review status: criteria provided, single submitter. Criteria: Invitae Variant Classification Sherloc (09022015). Collection method: clinical testing. Allele origin: germline.